The following is an entry in ClinVar:

ClinVar aggregate classification (germline): Benign/Likely benign. Review status: criteria provided, multiple submitters, no conflicts (2 of 4 stars). 3 submissions from 3 submitters: Benign (1); Likely benign (2). Last evaluated 2026-07-01.

Allele frequency attached by ClinVar (database versions not stated): 1000 Genomes Project 0.00060; 1000 Genomes Project 30x 0.00094; gnomAD exomes 0.00176 and 0.00273; gnomAD 0.00177 and 0.00182; ExAC 0.00183; TOPMed 0.00197; ESP Exome Variant Server 0.00266.
gnomAD v4.1: 4,222 of 1,614,056 alleles (0.26%); highest among the groups gnomAD compares: Non-Finnish European, 0.33%; 8 homozygotes.

Submissions (3):

CeGaT Center for Human Genetics Tuebingen
Classification: Likely benign. Last evaluated: 2026-07-01. Review status: criteria provided, single submitter. Criteria: CeGaT Center For Human Genetics Tuebingen Variant Classification Criteria Version 2. Collection method: clinical testing. Allele origin: germline. Affected: yes. Observed: 8 variant alleles.
Comment: POLR1A: BP4, BP7

Labcorp Genetics (formerly Invitae), Labcorp
Classification: Benign. Last evaluated: 2026-02-01. Review status: criteria provided, single submitter. Criteria: Invitae Variant Classification Sherloc (09022015). Collection method: clinical testing. Allele origin: germline.

Blueprint Genetics
Classification: Likely benign. Last evaluated: 2024-11-18. Review status: criteria provided, single submitter. Criteria: ACMG Guidelines, 2015. Collection method: clinical testing. Allele origin: germline.

NM_015425.6(POLR1A):c.1821G>A (p.Glu607=)

Genes: POLR1A (RNA polymerase I subunit A; minus strand), LOC126806264 (MED14-independent group 3 enhancer GRCh37_chr2:86296595-86297794; plus strand). Cytogenetic location: 2p11.2.
Variant type: single nucleotide variant.
Coding change: c.1821G>A on transcript NM_015425.6 (MANE Select); coding-DNA position 1821, G replaced by A.
Protein change: p.Glu607=; no amino-acid change (glutamic acid 607 retained).
Molecular consequence: synonymous variant.
Genome position (GRCh38, 1-based): chr2:86,070,063, C>T on the plus strand (G>A on the coding strand, the complement: POLR1A is on the minus strand). VCF-style: chr2-86070063-C-T. GRCh37 (hg19) VCF-style: chr2-86297186-C-T.
Identifiers: ClinVar variation 714612 (VCV000714612.35), dbSNP rs76924572, ClinGen allele CA1746246.
Genomic context (GRCh38, chr2:86,070,063, plus strand): 5'-CAAGGCCAGACCTACCTTGGGAACAAGGTACTGCTGATCAGTGCAGGCCAGGACGTAGGC[C>T]TCGGCCCGGCCCAGCTCACTCTGGGGGAAATGGGCATTCATCTCGTCTCCATCAAAGTCG-3'
Protein context (NP_056240.2, residues 597-617): HFPQSELGRA[Glu607=]AYVLACTDQQ